The following is an entry in ClinVar:

NM_030877.5(CTNNBL1):c.765T>C (p.Phe255=)

Gene: CTNNBL1 (catenin beta like 1; plus strand). Cytogenetic location: 20q11.23.
Variant type: single nucleotide variant.
Coding change: c.765T>C on transcript NM_030877.5 (MANE Select); coding-DNA position 765, T replaced by C.
Protein change: p.Phe255=; no amino-acid change (phenylalanine 255 retained).
Molecular consequence: synonymous variant.
Genome position (GRCh38, 1-based): chr20:37,777,359, T>C. VCF-style: chr20-37777359-T-C. GRCh37 (hg19) VCF-style: chr20-36405761-T-C.
Other names: c.684T>C, p.Phe228= (NM_001281495.2).
Identifiers: ClinVar variation 3898145 (VCV003898145.9).

ClinVar aggregate classification (germline): Benign/Likely benign. Review status: criteria provided, multiple submitters, no conflicts (2 of 4 stars). 3 submissions from 3 submitters: Benign (1); Likely benign (2). Last evaluated 2026-02-06.

gnomAD v4.1: 1,309 of 1,613,868 alleles (0.081%); highest among the groups gnomAD compares: African/African-American, 1.1%; 12 homozygotes.

Submissions (3):

Women's Health and Genetics/Laboratory Corporation of America, LabCorp
Classification: Benign. Last evaluated: 2026-02-06. Review status: criteria provided, single submitter. Criteria: LabCorp Variant Classification Summary - May 2015. Collection method: clinical testing. Allele origin: germline.
Comment: Variant summary: CTNNBL1 c.765T>C alters a conserved nucleotide resulting in a synonymous change. Consensus agreement among computation tools predict no significant impact on normal splicing. However, these predictions have yet to be confirmed by functional studies. The variant allele was found at a frequency of 0.001 in 251356 control chromosomes, predominantly at a frequency of 0.01 within the African or African-American subpopulation in the gnomAD database. The observed variant frequency within African or African-American control individuals in the gnomAD database exceeds the estimated maximal expected allele frequency for disease-causing variants in CTNNBL1. To our knowledge, no occurrence of c.765T>C in individuals affected with CTNNBL1-related conditions and no experimental evidence demonstrating its impact on protein function have been reported. ClinVar contains an entry for this variant (Variation ID: 3898145). Based on the evidence outlined above, the variant was classified as benign.

CeGaT Center for Human Genetics Tuebingen
Classification: Likely benign. Last evaluated: 2025-04-01. Review status: criteria provided, single submitter. Criteria: CeGaT Center For Human Genetics Tuebingen Variant Classification Criteria Version 2. Collection method: clinical testing. Allele origin: germline. Affected: yes. Observed: 1 variant allele.
Comment: CTNNBL1: BP4, BP7, BS1

Blueprint Genetics
Classification: Likely benign. Last evaluated: 2024-10-08. Review status: criteria provided, single submitter. Criteria: ACMG Guidelines, 2015. Collection method: clinical testing. Allele origin: germline.